The following is an entry in ClinVar:

ClinVar aggregate classification (germline): Uncertain significance (1 of 4 stars; one submission).

Submission:

Women's Health and Genetics/Laboratory Corporation of America, LabCorp
Classification: Uncertain significance. Last evaluated: 2019-12-30. Review status: criteria provided, single submitter. Criteria: LabCorp Variant Classification Summary - May 2015. Collection method: clinical testing. Allele origin: germline.
Comment: Variant summary: The variant involves the duplication of 45 nucleotides in exon 14 in the SOS2 gene. A presumed nomenclature of c.2234_2278dup45 has been designated for the purposes of this classification. The variant was absent in 251370 control chromosomes (gnomAD). To our knowledge, no occurrence of c.2234_2278dup45 in individuals affected with Noonan Syndrome and Related Conditions and no experimental evidence demonstrating its impact on protein function have been reported. No clinical diagnostic laboratories have submitted clinical-significance assessments for this variant to ClinVar after 2014. Based on the evidence outlined above, the variant was classified as uncertain significance.

NM_006939.4(SOS2):c.2234_2278dup (p.Gly745_Ile759dup)

Gene: SOS2 (SOS Ras/Rho guanine nucleotide exchange factor 2; minus strand). Cytogenetic location: 14q21.3.
Variant type: Duplication.
Coding change: c.2234_2278dup on transcript NM_006939.4 (MANE Select); coding-DNA positions 2234 to 2278, 45 bases duplicated.
Protein change: p.Gly745_Ile759dup.
Molecular consequence: inframe insertion.
Genome position (GRCh38, 1-based): chr14:50,150,114-50,150,158, 45 bases duplicated; duplicating any 45 consecutive bases within chr14:50,150,114-50,150,159 gives the same sequence; the c. name uses the placement nearest the transcript's 3' end. GRCh37 (hg19): chr14:50,616,833-50,616,877.
Identifiers: ClinVar variation 928963 (VCV000928963.1), dbSNP rs1884613778, ClinGen allele CA1139663471.
Genomic context (GRCh38, chr14:50,150,113, plus strand): 5'-ATTGGATGAAGTGTCATGAGATCAAATGTTTCAAACTGTCCTGGTTTGCTGATATGCCAT[T>TCAATTGGTGGAGGTGGACTTTCAAAGGTAATATTATGGCTTACTC]CAATTGGTGGAGGTGGACTTTCAAAGGTAATATTATGGCTTACTCCGTTTGCCTGAGCTT-3'